The following is an entry in ClinVar:

NM_017780.4(CHD7):c.3535C>A (p.Gln1179Lys)

Gene: CHD7 (chromodomain helicase DNA binding protein 7; plus strand). Cytogenetic location: 8q12.2.
Variant type: single nucleotide variant.
Coding change: c.3535C>A on transcript NM_017780.4 (MANE Select); coding-DNA position 3535, C replaced by A.
Protein change: p.Gln1179Lys; replaces glutamine 1179 with lysine.
Molecular consequence: missense variant. On other transcripts: intron variant (1).
Genome position (GRCh38, 1-based): chr8:60,830,334, C>A. VCF-style: chr8-60830334-C-A. GRCh37 (hg19) VCF-style: chr8-61742893-C-A.
Other names: c.1717-31895C>A (NM_001316690.1); short protein forms Q1179K.
Identifiers: ClinVar variation 3026680 (VCV003026680.23), dbSNP rs1804451607, ClinGen allele CA371314881.

ClinVar aggregate classification (germline): Uncertain significance. Review status: criteria provided, multiple submitters, no conflicts (2 of 4 stars). 2 submissions from 2 submitters: Uncertain significance (2). Last evaluated 2024-01-07.

Allele frequency attached by ClinVar (database versions not stated): gnomAD 0.00001.
gnomAD v4.1: 1 of 1,611,404 alleles (0.000062%); highest among the groups gnomAD compares: African/African-American, 0.0013%; no homozygotes.

Submissions (2):

GeneDx
Classification: Uncertain significance. Last evaluated: 2024-01-07. Review status: criteria provided, single submitter. Criteria: GeneDx Variant Classification Process June 2021. Collection method: clinical testing. Allele origin: germline. Affected: yes.
Comment: Not observed at significant frequency in large population cohorts (gnomAD); In silico analysis supports that this missense variant has a deleterious effect on protein structure/function; Has not been previously published as pathogenic or benign to our knowledge

CeGaT Center for Human Genetics Tuebingen
Classification: Uncertain significance. Last evaluated: 2023-12-01. Review status: criteria provided, single submitter. Criteria: CeGaT Center For Human Genetics Tuebingen Variant Classification Criteria Version 2. Collection method: clinical testing. Allele origin: germline. Affected: yes. Observed: 1 variant allele.
Comment: CHD7: PP3